The following is an entry in ClinVar:

ClinVar aggregate classification (germline): Uncertain significance. Review status: criteria provided, multiple submitters, no conflicts (2 of 4 stars). 10 submissions from 6 submitters: Uncertain significance (10). Last evaluated 2025-12-27.

Conditions:
Autosomal recessive limb-girdle muscular dystrophy type 2J (LGMDR10). Also called: MUSCULAR DYSTROPHY, LIMB-GIRDLE, AUTOSOMAL RECESSIVE 10; Limb-girdle muscular dystrophy, type 2J. Identifiers: Orphanet 140922, MedGen C1837342, MONDO:0012127, OMIM 608807.
Dilated cardiomyopathy 1G (CMD1G). Identifiers: Orphanet 154, MedGen C1858763, MONDO:0011400, OMIM 604145.
Tibial muscular dystrophy (TMD). Also called: Tibial muscular dystrophy, tardive; Udd Distal Myopathy – Tibial Muscular Dystrophy; UDD MYOPATHY. Identifiers: Orphanet 609, MedGen C1838244, MONDO:0010870, OMIM 600334.
Myopathy, myofibrillar, 9, with early respiratory failure (MFM9). Also called: Myopathy, distal, with early respiratory failure, autosomal dominant; EDSTROM MYOPATHY; MYOPATHY, PROXIMAL, WITH EARLY RESPIRATORY MUSCLE INVOLVEMENT; Hereditary myopathy with early respiratory failure. Identifiers: Orphanet 178464, Orphanet 34521, MedGen C1863599, MONDO:0011362, OMIM 603689.
Early-onset myopathy with fatal cardiomyopathy (CMYO5). Also called: CONGENITAL MYOPATHY 5 WITH CARDIOMYOPATHY; Salih Myopathy. Identifiers: Orphanet 289377, MedGen C2673677, MONDO:0012714, OMIM 611705. Disease mechanism: loss of function.
Hypertrophic cardiomyopathy 9. Also called: Familial hypertrophic cardiomyopathy 9. Identifiers: MedGen C1861065, MONDO:0013412, OMIM 613765.

Allele frequency attached by ClinVar (database versions not stated): ExAC 0.00001; gnomAD 0.00001; gnomAD exomes 0.00001; TOPMed 0.00001.
gnomAD v4.1: 10 of 1,601,544 alleles (0.00062%); highest among the groups gnomAD compares: African/African-American, 0.0027%; no homozygotes.

Submissions (10):

Labcorp Genetics (formerly Invitae), Labcorp
Classification: Uncertain significance for Dilated cardiomyopathy 1G; Autosomal recessive limb-girdle muscular dystrophy type 2J. Last evaluated: 2025-12-27. Review status: criteria provided, single submitter. Criteria: Invitae Variant Classification Sherloc (09022015). Collection method: clinical testing. Allele origin: germline.
Comment: This sequence change falls in intron 90 of the TTN gene. It does not directly change the encoded amino acid sequence of the TTN protein. It affects a nucleotide within the consensus splice site. This variant is present in population databases (rs727503645, gnomAD 0.008%). This variant has not been reported in the literature in individuals affected with TTN-related conditions. ClinVar contains an entry for this variant (Variation ID: 166148). Variants that disrupt the consensus splice site are a relatively common cause of aberrant splicing (PMID: 17576681, 9536098). Algorithms developed to predict the effect of sequence changes on RNA splicing suggest that this variant may disrupt the consensus splice site. This variant is located in the I band of TTN (PMID: 25589632). Non-truncating variants in this region may be clinically relevant, but have not been definitively shown to cause cardiomyopathy or neuromuscular disease (PMID: 27493940, 32778822). In summary, the available evidence is currently insufficient to determine the role of this variant in disease. Therefore, it has been classified as a Variant of Uncertain Significance.

Fulgent Genetics
Classification: Uncertain significance for Tibial muscular dystrophy; Myopathy, myofibrillar, 9, with early respiratory failure; Dilated cardiomyopathy 1G; Autosomal recessive limb-girdle muscular dystrophy type 2J; Early-onset myopathy with fatal cardiomyopathy; Hypertrophic cardiomyopathy 9. Last evaluated: 2024-04-29. Review status: criteria provided, single submitter. Criteria: ACMG Guidelines, 2015. Collection method: clinical testing. Allele origin: germline.

Women's Health and Genetics/Laboratory Corporation of America, LabCorp
Classification: Uncertain significance. Last evaluated: 2024-03-31. Review status: criteria provided, single submitter. Criteria: LabCorp Variant Classification Summary - May 2015. Collection method: clinical testing. Allele origin: germline.

GeneDx
Classification: Uncertain significance. Last evaluated: 2019-10-08. Review status: criteria provided, single submitter. Criteria: GeneDx Variant Classification Process June 2021. Collection method: clinical testing. Allele origin: germline. Affected: yes.
Comment: Has not been previously published as pathogenic or benign to our knowledge; Reported in ClinVar as a variant of uncertain significance (ClinVar Variant ID# 166148; Landrum et al., 2016); Not observed at a significant frequency in large population cohorts (Lek et al., 2016); In-silico analysis, which includes splice predictors and evolutionary conservation, suggests this variant may impact gene splicing; in the absence of RNA/functional studies, the actual effect of this sequence change is unknown

Illumina Laboratory Services, Illumina
Classification: Uncertain significance for Dilated cardiomyopathy 1G. Last evaluated: 2018-01-12. Review status: criteria provided, single submitter. Criteria: ICSL Variant Classification Criteria 13 December 2019. Collection method: clinical testing. Allele origin: germline.

Illumina Laboratory Services, Illumina
Classification: Uncertain significance for Tibial muscular dystrophy. Last evaluated: 2018-01-12. Review status: criteria provided, single submitter. Criteria: ICSL Variant Classification Criteria 13 December 2019. Collection method: clinical testing. Allele origin: germline.

Illumina Laboratory Services, Illumina
Classification: Uncertain significance for Autosomal recessive limb-girdle muscular dystrophy type 2J. Last evaluated: 2018-01-12. Review status: criteria provided, single submitter. Criteria: ICSL Variant Classification Criteria 13 December 2019. Collection method: clinical testing. Allele origin: germline.

Illumina Laboratory Services, Illumina
Classification: Uncertain significance for Myopathy, myofibrillar, 9, with early respiratory failure. Last evaluated: 2018-01-12. Review status: criteria provided, single submitter. Criteria: ICSL Variant Classification Criteria 13 December 2019. Collection method: clinical testing. Allele origin: germline.

Illumina Laboratory Services, Illumina
Classification: Uncertain significance for Early-onset myopathy with fatal cardiomyopathy. Last evaluated: 2018-01-12. Review status: criteria provided, single submitter. Criteria: ICSL Variant Classification Criteria 13 December 2019. Collection method: clinical testing. Allele origin: germline.

Laboratory for Molecular Medicine, Mass General Brigham Personalized Medicine
Classification: Uncertain significance. Last evaluated: 2014-03-06. Review status: criteria provided, single submitter. Criteria: LMM Criteria. Collection method: clinical testing. Allele origin: germline. Observed: 1 variant allele.

Literature cited by the submitters: PubMed 17576681 (cited by Labcorp Genetics (formerly Invitae), Labcorp); PubMed 9536098 (cited by Labcorp Genetics (formerly Invitae), Labcorp); PubMed 25589632 (cited by Labcorp Genetics (formerly Invitae), Labcorp); PubMed 27493940 (cited by Labcorp Genetics (formerly Invitae), Labcorp); PubMed 32778822 (cited by Labcorp Genetics (formerly Invitae), Labcorp).

NM_001267550.2(TTN):c.26200+5G>A

Gene: TTN (titin; minus strand). Cytogenetic location: 2q31.2.
Variant type: single nucleotide variant.
Coding change: c.26200+5G>A on transcript NM_001267550.2 (MANE Select); 5 bases into the intron after coding-DNA position 26200, G replaced by A.
Molecular consequence: intron variant.
Genome position (GRCh38, 1-based): chr2:178,714,981, C>T on the plus strand (G>A on the coding strand, the complement: TTN is on the minus strand). VCF-style: chr2-178714981-C-T. GRCh37 (hg19) VCF-style: chr2-179579708-C-T.
Other names: c.13282+23101G>A (NM_003319.4); c.13858+23101G>A (NM_133437.4); c.13657+23101G>A (NM_133432.3); c.22468+5G>A (NM_133378.4); c.25249+5G>A (NM_001256850.1).
Identifiers: ClinVar variation 166148 (VCV000166148.19), dbSNP rs727503645, ClinGen allele CA178953.